The following is an entry in ClinVar:

ClinVar aggregate classification (germline): Uncertain significance (1 of 4 stars; one submission).

Conditions:
Perlman syndrome (PRLMNS). Identifiers: Orphanet 2849, MedGen C0796113, MONDO:0009965, OMIM 267000.

gnomAD v4.1: 2 of 1,606,708 alleles (0.00012%); highest among the groups gnomAD compares: Non-Finnish European, 0.00017%; no homozygotes.

Submission:

Labcorp Genetics (formerly Invitae), Labcorp
Classification: Uncertain significance for Perlman syndrome. Last evaluated: 2023-09-08. Review status: criteria provided, single submitter. Criteria: Invitae Variant Classification Sherloc (09022015). Collection method: clinical testing. Allele origin: germline.
Comment: In summary, the available evidence is currently insufficient to determine the role of this variant in disease. Therefore, it has been classified as a Variant of Uncertain Significance. This sequence change replaces proline, which is neutral and non-polar, with threonine, which is neutral and polar, at codon 879 of the DIS3L2 protein (p.Pro879Thr). This variant is not present in population databases (gnomAD no frequency). This variant has not been reported in the literature in individuals affected with DIS3L2-related conditions. ClinVar contains an entry for this variant (Variation ID: 834961). Algorithms developed to predict the effect of missense changes on protein structure and function output the following: SIFT: "Not Available"; PolyPhen-2: "Not Available"; Align-GVGD: "Not Available". The threonine amino acid residue is found in multiple mammalian species, which suggests that this missense change does not adversely affect protein function.

NM_152383.5(DIS3L2):c.2635C>A (p.Pro879Thr)

Gene: DIS3L2 (DIS3 like 3'-5' exoribonuclease 2; plus strand). Cytogenetic location: 2q37.1.
Variant type: single nucleotide variant.
Coding change: c.2635C>A on transcript NM_152383.5 (MANE Select); coding-DNA position 2635, C replaced by A.
Protein change: p.Pro879Thr; replaces proline 879 with threonine.
Molecular consequence: missense variant. On other transcripts: non-coding transcript variant (2), intron variant (1).
Genome position (GRCh38, 1-based): chr2:232,336,607, C>A. VCF-style: chr2-232336607-C-A. GRCh37 (hg19) VCF-style: chr2-233201317-C-A.
Other names: c.1582-6738C>A (NM_001257281.2); short protein forms P879T.
Identifiers: ClinVar variation 834961 (VCV000834961.7), dbSNP rs1246277178, ClinGen allele CA350979115.